The following is an entry in ClinVar:

ClinVar aggregate classification (germline): Uncertain significance. Review status: criteria provided, multiple submitters, no conflicts (2 of 4 stars). 2 submissions from 2 submitters: Uncertain significance (2). Last evaluated 2025-12-07.

Conditions:
BAP1-related tumor predisposition syndrome (TPDS1). Also called: Tumor susceptibility linked to germline BAP1 mutations; BAP1 tumor predisposition syndrome; TUMOR PREDISPOSITION SYNDROME 1; COMMON Syndrome. Identifiers: Orphanet 289539, MedGen C3280492, MONDO:0013692, OMIM 614327.
Hereditary cancer-predisposing syndrome. Also called: Neoplastic Syndromes, Hereditary; Tumor predisposition; Hereditary neoplastic syndrome; Hereditary Cancer Syndrome. Identifiers: Orphanet 140162, MedGen C0027672, MeSH D009386, MONDO:0015356.

Submissions (2):

Ambry Genetics
Classification: Uncertain significance for Hereditary cancer-predisposing syndrome. Last evaluated: 2025-12-07. Review status: criteria provided, single submitter. Criteria: Ambry Variant Classification Scheme 2023. Collection method: clinical testing. Allele origin: germline.
Comment: The p.V523A variant (also known as c.1568T>C), located in coding exon 13 of the BAP1 gene, results from a T to C substitution at nucleotide position 1568. The valine at codon 523 is replaced by alanine, an amino acid with similar properties. This amino acid position is conserved. In addition, the in silico prediction for this alteration is inconclusive. Based on the available evidence, the clinical significance of this variant remains unclear.

Baylor Genetics
Classification: Uncertain significance for BAP1-related tumor predisposition syndrome. Last evaluated: 2024-01-31. Review status: criteria provided, single submitter. Criteria: ACMG Guidelines, 2015. Collection method: clinical testing. Allele origin: unknown.

NM_004656.4(BAP1):c.1568T>C (p.Val523Ala)

Gene: BAP1 (BRCA1 associated deubiquitinase 1; minus strand). Cytogenetic location: 3p21.1.
Variant type: single nucleotide variant.
Coding change: c.1568T>C on transcript NM_004656.4 (MANE Select); coding-DNA position 1568, T replaced by C.
Protein change: p.Val523Ala; replaces valine 523 with alanine.
Molecular consequence: missense variant.
Genome position (GRCh38, 1-based): chr3:52,403,577, A>G on the plus strand (T>C on the coding strand, the complement: BAP1 is on the minus strand). VCF-style: chr3-52403577-A-G. GRCh37 (hg19) VCF-style: chr3-52437593-A-G.
Other names: c.1514T>C, p.Val505Ala (NM_001410772.1); short protein forms V505A, V523A.
Identifiers: ClinVar variation 3240850 (VCV003240850.2), dbSNP rs2471328097.
Genomic context (GRCh38, chr3:52,403,577, plus strand): 5'-CAGTCAACACGCAGCAGGCTGTCATCCTCTCCAAAAAGCACCTTGGAGATGTGGGAGGTG[A>G]CAGGGCTGGAGGGCCGCGTCGGGTTGGCTGAGCGGATAGGCGAGCGCAGTGGCGAGTTGA-3'
Protein context (NP_004647.1, residues 513-533): SANPTRPSSP[Val523Ala]TSHISKVLFG